The following is an entry in ClinVar:

ClinVar aggregate classification (germline): Likely benign (1 of 4 stars; one submission).

Submission:

CeGaT Center for Human Genetics Tuebingen
Classification: Likely benign. Last evaluated: 2026-05-01. Review status: criteria provided, single submitter. Criteria: CeGaT Center For Human Genetics Tuebingen Variant Classification Criteria Version 2. Collection method: clinical testing. Allele origin: germline. Affected: yes. Observed: 1 variant allele.
Comment: FAM230A: BP4, BP7

NC_000022.11:g.20356639A>G

Variant type: single nucleotide variant.
Genome position: GRCh38 VCF-style: chr22-20356639-A-G. GRCh37 (hg19) VCF-style: chr22-20710929-A-G.
Identifiers: ClinVar variation 4872906 (VCV004872906.2).
Genomic context (GRCh38, chr22:20,356,639, plus strand): 5'-CAGGGCGTCGCACACGAGGACGCCGTCCAGGGCATCGCTAACGAGGACGCCGCCCACGGC[A>G]TCACTAACGAGGTCGCCGCCCACGGCATCGCGAACGAGGACGCCGCCCAGGGCATAGCAC-3'